The following is an entry in ClinVar:

ClinVar aggregate classification (germline): Uncertain significance. Review status: criteria provided, multiple submitters, no conflicts (2 of 4 stars). 2 submissions from 2 submitters: Uncertain significance (2). Last evaluated 2025-06-23.

Conditions:
Hereditary cancer-predisposing syndrome. Also called: Hereditary Cancer Syndrome; Neoplastic Syndromes, Hereditary; Tumor predisposition; Hereditary neoplastic syndrome. Identifiers: Orphanet 140162, MedGen C0027672, MeSH D009386, MONDO:0015356.
EGFR-related lung cancer (EGFR). Identifiers: MedGen CN130014.

gnomAD v4.1: 1 of 1,614,040 alleles (0.000062%); highest among the groups gnomAD compares: Admixed American, 0.0017%; no homozygotes.

Submissions (2):

Ambry Genetics
Classification: Uncertain significance for Hereditary cancer-predisposing syndrome. Last evaluated: 2025-06-23. Review status: criteria provided, single submitter. Criteria: Ambry Variant Classification Scheme 2023. Collection method: clinical testing. Allele origin: germline.
Comment: The p.D321E variant (also known as c.963C>A), located in coding exon 8 of the EGFR gene, results from a C to A substitution at nucleotide position 963. The aspartic acid at codon 321 is replaced by glutamic acid, an amino acid with highly similar properties. This amino acid position is conserved. In addition, this alteration is predicted to be tolerated by in silico analysis. Based on the available evidence, the clinical significance of this variant remains unclear.

Labcorp Genetics (formerly Invitae), Labcorp
Classification: Uncertain significance for EGFR-related lung cancer. Last evaluated: 2023-12-19. Review status: criteria provided, single submitter. Criteria: Invitae Variant Classification Sherloc (09022015). Collection method: clinical testing. Allele origin: germline.
Comment: This sequence change replaces aspartic acid, which is acidic and polar, with glutamic acid, which is acidic and polar, at codon 321 of the EGFR protein (p.Asp321Glu). This variant is not present in population databases (gnomAD no frequency). This variant has not been reported in the literature in individuals affected with EGFR-related conditions. ClinVar contains an entry for this variant (Variation ID: 1980657). Advanced modeling of protein sequence and biophysical properties (such as structural, functional, and spatial information, amino acid conservation, physicochemical variation, residue mobility, and thermodynamic stability) performed at Invitae indicates that this missense variant is not expected to disrupt EGFR protein function with a negative predictive value of 80%. In summary, the available evidence is currently insufficient to determine the role of this variant in disease. Therefore, it has been classified as a Variant of Uncertain Significance.

NM_005228.5(EGFR):c.963C>A (p.Asp321Glu)

Gene: EGFR (epidermal growth factor receptor; plus strand). Cytogenetic location: 7p11.2.
Variant type: single nucleotide variant.
Coding change: c.963C>A on transcript NM_005228.5 (MANE Select); coding-DNA position 963, C replaced by A.
Protein change: p.Asp321Glu; replaces aspartic acid 321 with glutamic acid.
Molecular consequence: missense variant.
Genome position (GRCh38, 1-based): chr7:55,155,903, C>A. VCF-style: chr7-55155903-C-A. GRCh37 (hg19) VCF-style: chr7-55223596-C-A.
Other names: c.828C>A, p.Asp276Glu (NM_001346897.2, NM_001346899.2); c.963C>A, p.Asp321Glu (NM_001346898.2, NM_201282.2, NM_201283.2 and 1 more transcripts); c.804C>A, p.Asp268Glu (NM_001346900.2); c.162C>A, p.Asp54Glu (NM_001346941.2); short protein forms D268E, D54E, D321E, D276E.
Identifiers: ClinVar variation 1980657 (VCV001980657.5), dbSNP rs764038041, ClinGen allele CA367578079.